The following is an entry in ClinVar:

NM_013275.6(ANKRD11):c.6792del (p.Ala2265fs)

Gene: ANKRD11 (ankyrin repeat domain 11; minus strand). Cytogenetic location: 16q24.3.
Variant type: Deletion.
Coding change: c.6792del on transcript NM_013275.6 (MANE Select); coding-DNA position 6792, one base deleted (C; older notation c.6792delC).
Protein change: p.Ala2265fs; shifts the reading frame from alanine 2265.
Molecular consequence: frameshift variant.
Genome position (GRCh38, 1-based): chr16:89,279,750, G deleted on the plus strand (C on the coding strand, the reverse complement: ANKRD11 is on the minus strand); the first of 7 consecutive G bases (chr16:89,279,750-89,279,756); deleting any one gives the same sequence. VCF-style (leftmost placement, unchanged base first): chr16-89279749-CG-C. GRCh37 (hg19) VCF-style: chr16-89346157-CG-C.
Other names: NP_037407.4:p.(Ala2265ProfsTer72); c.6792del, p.Ala2265fs (NM_001256182.2, NM_001256183.2); c.6792delC (NM_013275.6); c.6792del (NM_013275.4); short protein forms A2265fs.
Identifiers: ClinVar variation 242348 (VCV000242348.15), dbSNP rs878855327, ClinGen allele CA10583990.

ClinVar aggregate classification (germline): Pathogenic. Review status: criteria provided, multiple submitters, no conflicts (2 of 4 stars). 7 submissions from 7 submitters: Pathogenic (7). Last evaluated 2026-08-18.

Conditions:
KBG syndrome (KBGS). Also called: ANKRD11-Related KBG Syndrome. Identifiers: Orphanet 2332, MedGen C0220687, MONDO:0007846, OMIM 148050.

Submissions (7):

Medical Genetics Center, Maternal and Child Health Hospital of Hubei Province
Classification: Pathogenic for KBG syndrome. Last evaluated: 2026-08-18. Review status: criteria provided, single submitter. Criteria: ACMG Guidelines, 2015. Collection method: clinical testing. Allele origin: maternal. Affected: yes.
Comment: PVS1+PM2_Supporting+PS2

Umrani?ye Training and Research Hospital
Classification: Pathogenic for KBG syndrome. Last evaluated: 2026-07-05. Review status: criteria provided, single submitter. Criteria: ACMG Guidelines, 2015. Collection method: clinical testing. Allele origin: germline. Inheritance: Autosomal dominant inheritance. Affected: yes.
Comment: PVS1, PM2

Dasa
Classification: Pathogenic for KBG syndrome. Last evaluated: 2025-09-19. Review status: criteria provided, single submitter. Criteria: DASA Assertion Criteria. Collection method: clinical testing. Allele origin: germline.
Comment: NM_013275.6(ANKRD11):c.6792del (p.Ala2265Profs*72) is a frameshift variant in ANKRD11 predicted to alter the reading frame and introduce a premature termination codon and is predicted to result in an absent or altered protein product. Loss of function is an established disease mechanism for ANKRD11 (PMID: 21782149; PMID: 35330407; PMID: 28422132). This variant has been recurrently observed in individuals with ANKRD11-related disorders (PMID: 33149276; PMID: 38317675). This variant has been reported as a de novo occurrence in an affected individual (PMID: 38317675). Also, this variant is rare in population databases. Based on the currently available evidence, this variant is classified as pathogenic.

3billion
Classification: Pathogenic for KBG syndrome. Last evaluated: 2025-03-11. Review status: criteria provided, single submitter. Criteria: ACMG Guidelines, 2015. Collection method: clinical testing. Allele origin: germline. Affected: yes.
Comment: The variant is not observed in the gnomAD v4.1.0 dataset.Predicted Consequence/Location: Frameshift: predicted to result in a loss or disruption of normal protein function through nonsense-mediated decay (NMD) or protein truncation. Multiple pathogenic variants are reported downstream of the variant. The variant has been previously reported as de novo in a similarly affected individual (Decipher: 270918). The variant has been reported at least twice as pathogenic with clinical assertions and evidence for the classification (ClinVar ID: VCV000242348). Therefore, this variant is classified as Pathogenic according to the recommendation of ACMG/AMP guideline.

GeneDx
Classification: Pathogenic. Last evaluated: 2024-02-13. Review status: criteria provided, single submitter. Criteria: GeneDx Variant Classification Process June 2021. Collection method: clinical testing. Allele origin: germline. Affected: yes.
Comment: Frameshift variant predicted to result in protein truncation or nonsense mediated decay in a gene for which loss of function is a known mechanism of disease; Not observed at significant frequency in large population cohorts (gnomAD); This variant is associated with the following publications: (PMID: 33149276)

New York Genome Center
Classification: Pathogenic for KBG syndrome. Last evaluated: 2021-03-26. Review status: criteria provided, single submitter. Criteria: NYGC Assertion Criteria 2020. Collection method: clinical testing. Allele origin: de novo. Observed: 1 heterozygote. Study: CSER-NYCKidSeq.
Comment: The de novo heterozygous c.6792delC (p.Ala2265ProfsTer72) frameshift variant located in exon 9 (of 13) of the ANKRD11 gene alters the wild type translational reading frame and is predicted to result in an absent or truncated protein product. A frameshift variant affecting the same codon and with identical predicted affect on the protein [c.6793delC (p.Ala2265Profs)] has been reported in a patient affected with moderate intellectual disability, seizures, hearing impairment, facial dysmorphism, myalgia, and abnormal biochemical findings (decreased Complex I & V, Complex III near 5% reference; See “additional file2: Table S1” of PMID: 28554332). The variant is absent from gnomAD(v3) database suggesting it is not a common benign allele in the populations represented in that database. Based on the available evidence, the de novo heterozygous c.6792delC (p.Ala2265ProfsTer72) frameshift variant identified in the ANKRD11 gene is reported as Pathogenic.

HudsonAlpha Institute for Biotechnology
Classification: Pathogenic for KBG syndrome. Last evaluated: 2016-06-09. Review status: criteria provided, single submitter. Criteria: HA_assertions_20161101. Collection method: research. Allele origin: de novo. Affected: yes. Observed: 1 variant allele. Study: CSER-HudsonAlpha.

Literature cited by the submitters: PubMed 38317675 (cited by Medical Genetics Center, Maternal and Child Health Hospital of Hubei Province and Dasa); PubMed 33149276 (cited by Medical Genetics Center, Maternal and Child Health Hospital of Hubei Province and Dasa); PubMed 42808190 (cited by Umrani?ye Training and Research Hospital); PubMed 21782149 (cited by Dasa); PubMed 35330407 (cited by Dasa); PubMed 28422132 (cited by Dasa).